The following is an entry in ClinVar:

NM_001368894.2(PAX6):c.844G>T (p.Glu282Ter)

Gene: PAX6 (paired box 6; minus strand). Cytogenetic location: 11p13.
Variant type: single nucleotide variant.
Coding change: c.844G>T on transcript NM_001368894.2 (MANE Select); coding-DNA position 844, G replaced by T.
Protein change: p.Glu282Ter; replaces glutamic acid 282 with a stop codon.
Molecular consequence: nonsense. On other transcripts: non-coding transcript variant (2).
Genome position (GRCh38, 1-based): chr11:31,793,766, C>A on the plus strand (G>T on the coding strand, the complement: PAX6 is on the minus strand). VCF-style: chr11-31793766-C-A. GRCh37 (hg19) VCF-style: chr11-31815314-C-A.
Other names: c.802G>T, p.Glu268Ter (NM_000280.6, NM_001127612.3, NM_001258464.2 and 10 more transcripts); c.844G>T, p.Glu282Ter (NM_001258462.3, NM_001258463.2, NM_001310158.2 and 6 more transcripts); c.394G>T, p.Glu132Ter (NM_001310160.2, NM_001310161.3, NM_001368899.2 and 11 more transcripts); c.1045G>T, p.Glu349Ter (NM_001368910.2); c.847G>T, p.Glu283Ter (NM_001368911.2); c.919G>T, p.Glu307Ter (NM_001368918.2, NM_001368919.2); c.877G>T, p.Glu293Ter (NM_001368920.2); c.643G>T, p.Glu215Ter (NM_001368921.2, NM_001368922.2, NM_001368923.2 and 4 more transcripts); and 2 more; short protein forms E268*, E132*, E283*, E293*, E349*, E215*, E67*, E282*.
Identifiers: ClinVar variation 449967 (VCV000449967.3), dbSNP rs1554983238, ClinGen allele CA379956504.

ClinVar aggregate classification (germline): Pathogenic (1 of 4 stars; one submission).

Submission:

GeneDx
Classification: Pathogenic. Last evaluated: 2017-10-12. Review status: criteria provided, single submitter. Criteria: GeneDx Variant Classification (06012015). Collection method: clinical testing. Allele origin: germline. Affected: yes.
Comment: The E268X nonsense variant in the PAX6 gene has been reported previously in association with aniridia (Yokoi et al., 2016). This variant is predicted to cause loss of normal protein function either through protein truncation or nonsense-mediated mRNA decay. The variant is not observed in large population cohorts (Lek et al., 2016). In summary, we consider this variant to be pathogenic.